The following is an entry in ClinVar:

NM_018943.3(TUBA8):c.727C>T (p.Arg243Cys)

Gene: TUBA8 (tubulin alpha 8; plus strand). Cytogenetic location: 22q11.21.
Variant type: single nucleotide variant.
Coding change: c.727C>T on transcript NM_018943.3 (MANE Select); coding-DNA position 727, C replaced by T.
Protein change: p.Arg243Cys; replaces arginine 243 with cysteine.
Molecular consequence: missense variant.
Genome position (GRCh38, 1-based): chr22:18,126,705, C>T. VCF-style: chr22-18126705-C-T. GRCh37 (hg19) VCF-style: chr22-18609472-C-T.
Other names: TUBA8, ARG243CYS (rs762265885); c.529C>T, p.Arg177Cys (NM_001193414.2); short protein forms R177C, R243C.
Identifiers: ClinVar variation 1033915 (VCV001033915.9), dbSNP rs762265885, ClinGen allele CA10093742.

ClinVar aggregate classification (germline): Uncertain significance. Review status: criteria provided, multiple submitters, no conflicts (2 of 4 stars). 3 submissions from 3 submitters: Uncertain significance (2). 1 of the submissions does not count toward it. Last evaluated 2025-07-21.

Conditions:
Macrothrombocytopenia, isolated, 2, autosomal dominant (MACTHC2). Identifiers: MedGen C5676968, MONDO:0030827, OMIM 619840.
Polymicrogyria with optic nerve hypoplasia. Identifiers: Orphanet 250972, MedGen C2750798, MONDO:0013172.

Allele frequency attached by ClinVar (database versions not stated): gnomAD 0.00003; gnomAD exomes 0.00004 and 0.00007; TOPMed 0.00004; ExAC 0.00007.

Submissions (3):

Labcorp Genetics (formerly Invitae), Labcorp
Classification: Uncertain significance. Last evaluated: 2025-07-21. Review status: criteria provided, single submitter. Criteria: Invitae Variant Classification Sherloc (09022015). Collection method: clinical testing. Allele origin: germline.
Comment: This sequence change replaces arginine, which is basic and polar, with cysteine, which is neutral and slightly polar, at codon 243 of the TUBA8 protein (p.Arg243Cys). This variant is present in population databases (rs762265885, gnomAD 0.03%). This variant has not been reported in the literature in individuals affected with TUBA8-related conditions. ClinVar contains an entry for this variant (Variation ID: 1033915). Invitae Evidence Modeling of protein sequence and biophysical properties (such as structural, functional, and spatial information, amino acid conservation, physicochemical variation, residue mobility, and thermodynamic stability) indicates that this missense variant is expected to disrupt TUBA8 protein function with a positive predictive value of 80%. In summary, the available evidence is currently insufficient to determine the role of this variant in disease. Therefore, it has been classified as a Variant of Uncertain Significance.

Baylor Genetics
Classification: Uncertain significance for CEDNIK syndrome. Last evaluated: 2018-02-06. Review status: criteria provided, single submitter. Criteria: ACMG Guidelines, 2015. Collection method: clinical testing. Allele origin: unknown. Affected: yes.
Comment: This variant was determined to be of uncertain significance according to ACMG Guidelines, 2015 [PMID:25741868].

OMIM
Classification: Pathogenic for MACROTHROMBOCYTOPENIA, ISOLATED, 2, AUTOSOMAL DOMINANT. Last evaluated: 2022-04-26. Review status: no assertion criteria provided. Collection method: literature only. Allele origin: germline. Not counted in ClinVar's aggregate classification.

Literature cited by the submitters: PubMed 34704371 (cited by OMIM).